The following is an entry in ClinVar:

NM_152743.4(BRAT1):c.1331A>G (p.Glu444Gly)

Gene: BRAT1 (BRCA1 associated ATM activator 1; minus strand). Cytogenetic location: 7p22.3.
Variant type: single nucleotide variant.
Coding change: c.1331A>G on transcript NM_152743.4 (MANE Select); coding-DNA position 1331, A replaced by G.
Protein change: p.Glu444Gly; replaces glutamic acid 444 with glycine.
Molecular consequence: missense variant. On other transcripts: non-coding transcript variant (1).
Genome position (GRCh38, 1-based): chr7:2,541,043, T>C on the plus strand (A>G on the coding strand, the complement: BRAT1 is on the minus strand). VCF-style: chr7-2541043-T-C. GRCh37 (hg19) VCF-style: chr7-2580677-T-C.
Other names: c.1331A>G, p.Glu444Gly (NM_001350626.2); c.806A>G, p.Glu269Gly (NM_001350627.2); short protein forms E444G, E269G.
Identifiers: ClinVar variation 1467353 (VCV001467353.5), dbSNP rs1779113459, ClinGen allele CA366628805.

ClinVar aggregate classification (germline): Uncertain significance (1 of 4 stars; one submission).

Conditions:
Neonatal-onset encephalopathy with rigidity and seizures. Also called: Lethal neonatal spasticity-epileptic encephalopathy syndrome. Identifiers: Orphanet 435845, MedGen C3281029, MONDO:0013784, OMIM 614498.

Submission:

Labcorp Genetics (formerly Invitae), Labcorp
Classification: Uncertain significance for Neonatal-onset encephalopathy with rigidity and seizures. Last evaluated: 2022-07-26. Review status: criteria provided, single submitter. Criteria: Invitae Variant Classification Sherloc (09022015). Collection method: clinical testing. Allele origin: germline.
Comment: This variant is not present in population databases (gnomAD no frequency). In summary, the available evidence is currently insufficient to determine the role of this variant in disease. Therefore, it has been classified as a Variant of Uncertain Significance. Algorithms developed to predict the effect of sequence changes on RNA splicing suggest that this variant may disrupt the consensus splice site. Algorithms developed to predict the effect of missense changes on protein structure and function are either unavailable or do not agree on the potential impact of this missense change (SIFT: "Deleterious"; PolyPhen-2: "Possibly Damaging"; Align-GVGD: "Class C0"). ClinVar contains an entry for this variant (Variation ID: 1467353). This variant has not been reported in the literature in individuals affected with BRAT1-related conditions. This sequence change replaces glutamic acid, which is acidic and polar, with glycine, which is neutral and non-polar, at codon 444 of the BRAT1 protein (p.Glu444Gly).